The following is an entry in ClinVar:

NM_001081.4(CUBN):c.4115C>G (p.Thr1372Arg)

Gene: CUBN (cubilin; minus strand). Cytogenetic location: 10p13.
Variant type: single nucleotide variant.
Coding change: c.4115C>G on transcript NM_001081.4 (MANE Select); coding-DNA position 4115, C replaced by G.
Protein change: p.Thr1372Arg; replaces threonine 1372 with arginine.
Molecular consequence: missense variant.
Genome position (GRCh38, 1-based): chr10:17,019,886, G>C on the plus strand (C>G on the coding strand, the complement: CUBN is on the minus strand). VCF-style: chr10-17019886-G-C. GRCh37 (hg19) VCF-style: chr10-17061885-G-C.
Other names: short protein forms T1372R.
Identifiers: ClinVar variation 56338 (VCV000056338.2), dbSNP rs386833786, ClinGen allele CA144290.

ClinVar aggregate classification (germline): Likely pathogenic (0 of 4 stars; one submission).

Conditions:
Imerslund-Grasbeck syndrome. Also called: PERNICIOUS ANEMIA, JUVENILE, DUE TO SELECTIVE INTESTINAL MALABSORPTION OF VITAMIN B12, WITH PROTEINURIA; Megaloblastic anemia due to inborn errors of metabolism; Imerslund-Gräsbeck syndrome; ENTEROCYTE COBALAMIN MALABSORPTION; ENTEROCYTE INTRINSIC FACTOR RECEPTOR, DEFECT OF. Identifiers: Orphanet 35858, MedGen C4551825, MONDO:0009853.

Submission:

Juha Muilu Group; Institute for Molecular Medicine Finland (FIMM)
Classification: Likely pathogenic for Megaloblastic anemia due to inborn errors of metabolism. Review status: no assertion criteria provided. Collection method: not provided. Allele origin: unknown.
Comment: FinDis database variant: This variant was not found or characterized by our laboratory, data were collected from public sources: see reference
ClinVar note: Converted during submission from probable-pathogenic to Likely pathogenic.